The following is an entry in ClinVar:

ClinVar aggregate classification (germline): Likely benign. Review status: criteria provided, multiple submitters, no conflicts (2 of 4 stars). 3 submissions from 3 submitters: Likely benign (3). Last evaluated 2024-09-12.

Conditions:
Cardiovascular phenotype. Identifiers: MedGen CN230736.
Familial hypobetalipoproteinemia 1. Also called: Hypobetalipoproteinemia, normotriglyceridemic; Acanthocytosis with hypobetalipoproteinemia; APOB-Related Familial Hypobetalipoproteinemia. Identifiers: MedGen C4551990, MONDO:0014252, OMIM 615558.
Hypercholesterolemia, autosomal dominant, type B (FHCL2). Also called: Familial Hypercholesterolemia Type B; HYPERCHOLESTEROLEMIA, FAMILIAL, DUE TO LIGAND-DEFECTIVE APOLIPOPROTEIN B; Familial hypercholesterolemia 2; APOB-Related Familial Hypercholesterolemia, Autosomal Dominant; APOLIPOPROTEIN B-100, FAMILIAL DEFECTIVE; APOLIPOPROTEIN B-100, FAMILIAL LIGAND-DEFECTIVE. Identifiers: MedGen C1704417, MONDO:0007751, OMIM 144010.
Familial hypercholesterolemia. Also called: Familial hypercholesterolemias; Familial hypercholesterolaemia. Identifiers: MedGen C0020445, MONDO:0005439.

Allele frequency attached by ClinVar (database versions not stated): gnomAD exomes 0.00001 and 0.00015; gnomAD 0.00002 and 0.00003; TOPMed 0.00003.
gnomAD v4.1: 216 of 1,610,874 alleles (0.013%); highest among the groups gnomAD compares: Non-Finnish European, 0.018%; no homozygotes.

Submissions (3):

Labcorp Genetics (formerly Invitae), Labcorp
Classification: Likely benign for Familial hypobetalipoproteinemia 1; Hypercholesterolemia, autosomal dominant, type B. Last evaluated: 2024-09-12. Review status: criteria provided, single submitter. Criteria: Invitae Variant Classification Sherloc (09022015). Collection method: clinical testing. Allele origin: germline.

GENinCode PLC
Classification: Likely benign for Familial hypercholesterolemia. Last evaluated: 2024-04-29. Review status: criteria provided, single submitter. Criteria: ACMG Guidelines, 2015. Collection method: clinical testing. Allele origin: germline.
Comment: This is a synonymous (silent) variant that is not predicted by SpliceAI to impact splicing. In addition, it occurs at a nucleotide that is not conserved. Therefore this variant has been classified as Likely Benign (BP4, BP7).

Ambry Genetics
Classification: Likely benign for Cardiovascular phenotype. Last evaluated: 2023-02-14. Review status: criteria provided, single submitter. Criteria: Ambry Variant Classification Scheme 2023. Collection method: clinical testing. Allele origin: germline.

NM_000384.3(APOB):c.4629C>T (p.Ser1543=)

Gene: APOB (apolipoprotein B; minus strand). Cytogenetic location: 2p24.1.
Variant type: single nucleotide variant.
Coding change: c.4629C>T on transcript NM_000384.3 (MANE Select); coding-DNA position 4629, C replaced by T.
Protein change: p.Ser1543=; no amino-acid change (serine 1543 retained).
Molecular consequence: synonymous variant.
Genome position (GRCh38, 1-based): chr2:21,012,239, G>A on the plus strand (C>T on the coding strand, the complement: APOB is on the minus strand). VCF-style: chr2-21012239-G-A. GRCh37 (hg19) VCF-style: chr2-21235111-G-A.
Identifiers: ClinVar variation 926666 (VCV000926666.16), dbSNP rs758993671, ClinGen allele CA43508065.
Genomic context (GRCh38, chr2:21,012,239, plus strand): 5'-ATACTTTAGGGAAGCAGTATTTTTAATGATGCCACTTTGCAGATCAGAGGTGGAGGTGAG[G>A]GAGAGGGTTCCATCTTCATATCTTCCTGTTATCTGGTTGGTGCCTTGGAGGTAGGAGGAG-3'
Protein context (NP_000375.3, residues 1533-1553): ITGRYEDGTL[Ser1543=]LTSTSDLQSG